The following is an entry in ClinVar:

NM_199420.4(POLQ):c.2945C>G (p.Thr982Arg)

Gene: POLQ (DNA polymerase theta; minus strand). Cytogenetic location: 3q13.33.
Variant type: single nucleotide variant.
Coding change: c.2945C>G on transcript NM_199420.4 (MANE Select); coding-DNA position 2945, C replaced by G.
Protein change: p.Thr982Arg; replaces threonine 982 with arginine.
Molecular consequence: missense variant.
Genome position (GRCh38, 1-based): chr3:121,489,986, G>C on the plus strand (C>G on the coding strand, the complement: POLQ is on the minus strand). VCF-style: chr3-121489986-G-C. GRCh37 (hg19) VCF-style: chr3-121208833-G-C.
Other names: short protein forms T982R.
Identifiers: ClinVar variation 3060678 (VCV003060678.3), dbSNP rs3218649, ClinGen allele CA2563156.

ClinVar aggregate classification (germline): Benign. Review status: criteria provided, single submitter (1 of 4 stars). 2 submissions from 2 submitters: Benign (1). 1 of the submissions does not count toward it. Last evaluated 2026-08-07.

Conditions:
POLQ-related disorder. Also called: POLQ-related condition.
Familial cancer of breast. Also called: hereditary breast carcinoma; BREAST CANCER, FAMILIAL; Hereditary breast cancer. Identifiers: Orphanet 227535, MedGen C0346153, MONDO:0016419, OMIM 114480. Disease mechanism: loss of function.

Allele frequency attached by ClinVar (database versions not stated): TOPMed 0.62506; ESP Exome Variant Server 0.60277; 1000 Genomes Project 30x 0.68707; gnomAD 0.63114; gnomAD exomes 0.65385; ExAC 0.67413; 1000 Genomes Project 0.69649.
gnomAD v4.1: 1,029,279 of 1,578,926 alleles (65%); highest among the groups gnomAD compares: East Asian, 89%; 338,892 homozygotes.

Submissions (2):

Genomic Medicine Laboratory, Hospital de Clinicas de Porto Alegre
Classification: Benign for Familial cancer of breast. Last evaluated: 2026-08-07. Review status: criteria provided, single submitter. Criteria: ACGS UK Practice Guidelines For Variant Classification V12 2024. Collection method: research. Allele origin: germline. Affected: yes. Observed: 25 variant alleles.
Comment: BA1: Allele frequency is above 5%

PreventionGenetics, part of Exact Sciences
Classification: Benign for POLQ-related condition. Last evaluated: 2019-10-17. Review status: no assertion criteria provided. Collection method: clinical testing. Allele origin: germline. Not counted in ClinVar's aggregate classification.
Comment: This variant is classified as benign based on ACMG/AMP sequence variant interpretation guidelines (Richards et al. 2015 PMID: 25741868, with internal and published modifications).